The following is an entry in ClinVar:

NM_000038.6(APC):c.500A>G (p.Lys167Arg)

Gene: APC (APC regulator of Wnt signaling pathway; plus strand). Cytogenetic location: 5q22.2.
Variant type: single nucleotide variant.
Coding change: c.500A>G on transcript NM_000038.6 (MANE Select); coding-DNA position 500, A replaced by G.
Protein change: p.Lys167Arg; replaces lysine 167 with arginine.
Molecular consequence: missense variant. On other transcripts: 5 prime UTR variant (1).
Genome position (GRCh38, 1-based): chr5:112,775,706, A>G. VCF-style: chr5-112775706-A-G. GRCh37 (hg19) VCF-style: chr5-112111403-A-G.
Other names: c.500A>G, p.Lys167Arg (NM_001127510.3, NM_001354895.2, NM_001354896.2 and 2 more transcripts); c.530A>G, p.Lys177Arg (NM_001127511.3, NM_001354897.2, NM_001354902.2); c.425A>G, p.Lys142Arg (NM_001354898.2, NM_001354904.2); c.323A>G, p.Lys108Arg (NM_001354900.2, NM_001354901.2, NM_001354905.2); c.-536A>G (NM_001354906.2); c.500A>G (NM_000038.5); short protein forms K167R, K177R, K142R, K108R.
Identifiers: ClinVar variation 1430533 (VCV001430533.11), dbSNP rs553005258, ClinGen allele CA16022417.
Genomic context (GRCh38, chr5:112,775,706, plus strand): 5'-ATCTTGACAAAGAAGAAAAGGAAAAAGACTGGTATTACGCTCAACTTCAGAATCTCACTA[A>G]AAGAATAGATAGTCTTCCTTTAACTGAAAATGTAAGTAACTTGGCAGTACAACTTATTTG-3'
Protein context (NP_000029.2, residues 157-177): WYYAQLQNLT[Lys167Arg]RIDSLPLTEN

ClinVar aggregate classification (germline): Uncertain significance. Review status: criteria provided, multiple submitters, no conflicts (2 of 4 stars). 5 submissions from 5 submitters: Uncertain significance (5). Last evaluated 2025-07-17.

Conditions:
Classic or attenuated familial adenomatous polyposis. Identifiers: MedGen CN372698, MONDO:0021057.
Hereditary cancer-predisposing syndrome. Also called: Hereditary Cancer Syndrome; Hereditary neoplastic syndrome; Neoplastic Syndromes, Hereditary; Tumor predisposition. Identifiers: Orphanet 140162, MedGen C0027672, MeSH D009386, MONDO:0015356.
Familial adenomatous polyposis 1 (FAP1). Also called: POLYPOSIS, ADENOMATOUS INTESTINAL; FAMILIAL ADENOMATOUS POLYPOSIS 1, ATTENUATED. Identifiers: MedGen C2713442, MONDO:0021056, OMIM 175100. Disease mechanism: loss of function.

Allele frequency attached by ClinVar (database versions not stated): gnomAD exomes below 0.00001; TOPMed below 0.00001.
gnomAD v4.1: 1 of 1,599,250 alleles (0.000063%); highest among the groups gnomAD compares: Non-Finnish European, 0.000085%; no homozygotes.

Submissions (5):

Color Diagnostics, LLC DBA Color Health
Classification: Uncertain significance for Hereditary cancer-predisposing syndrome. Last evaluated: 2025-07-17. Review status: criteria provided, single submitter. Criteria: ACMG Guidelines, 2015. Collection method: clinical testing. Allele origin: germline.
Comment: This missense variant replaces lysine with arginine at codon 167 of the APC protein. Computational prediction suggests that this variant may not impact protein structure and function. To our knowledge, functional studies have not been reported for this variant. This variant has not been reported in individuals affected with APC-related disorders in the literature. This variant has not been identified in the general population by the Genome Aggregation Database (gnomAD). The available evidence is insufficient to determine the role of this variant in disease conclusively. Therefore, this variant is classified as a Variant of Uncertain Significance.

GeneDx
Classification: Uncertain significance. Last evaluated: 2025-01-07. Review status: criteria provided, single submitter. Criteria: GeneDx Variant Classification Process June 2021. Collection method: clinical testing. Allele origin: germline. Affected: yes.
Comment: Not observed at significant frequency in large population cohorts (gnomAD); In silico analysis indicates that this missense variant does not alter protein structure/function; Has not been previously published as pathogenic or benign to our knowledge

All of Us Research Program, National Institutes of Health
Classification: Uncertain significance for Classic or attenuated familial adenomatous polyposis. Last evaluated: 2024-03-05. Review status: criteria provided, single submitter. Criteria: ACMG Guidelines, 2015. Collection method: clinical testing. Allele origin: germline. Inheritance: Autosomal dominant inheritance. Observed: 1 variant allele, 1 heterozygote.
Comment: This study involves interpretation of variants in research participants for the purpose of population health screening. Participant phenotype was not available at the time of variant classification. Additional details can be found in publication PMID: 35346344, PMCID: PMC8962531

Ambry Genetics
Classification: Uncertain significance for Hereditary cancer-predisposing syndrome. Last evaluated: 2024-01-17. Review status: criteria provided, single submitter. Criteria: Ambry Variant Classification Scheme 2023. Collection method: clinical testing. Allele origin: germline.
Comment: The p.K167R variant (also known as c.500A>G), located in coding exon 4 of the APC gene, results from an A to G substitution at nucleotide position 500. The lysine at codon 167 is replaced by arginine, an amino acid with highly similar properties. This amino acid position is highly conserved in available vertebrate species. In addition, in silico predictors for this gene do not accurately predict pathogenicity. Based on the available evidence, the clinical significance of this alteration remains unclear.

Labcorp Genetics (formerly Invitae), Labcorp
Classification: Uncertain significance for Familial adenomatous polyposis 1. Last evaluated: 2023-12-02. Review status: criteria provided, single submitter. Criteria: Invitae Variant Classification Sherloc (09022015). Collection method: clinical testing. Allele origin: germline.
Comment: This sequence change replaces lysine, which is basic and polar, with arginine, which is basic and polar, at codon 167 of the APC protein (p.Lys167Arg). This variant is not present in population databases (gnomAD no frequency). This variant has not been reported in the literature in individuals affected with APC-related conditions. ClinVar contains an entry for this variant (Variation ID: 1430533). Advanced modeling of protein sequence and biophysical properties (such as structural, functional, and spatial information, amino acid conservation, physicochemical variation, residue mobility, and thermodynamic stability) performed at Invitae indicates that this missense variant is not expected to disrupt APC protein function with a negative predictive value of 95%. In summary, the available evidence is currently insufficient to determine the role of this variant in disease. Therefore, it has been classified as a Variant of Uncertain Significance.